The following is an entry in ClinVar:

NM_001159699.2(FHL1):c.377_379+24del

Gene: FHL1 (four and a half LIM domains 1; plus strand). Cytogenetic location: Xq26.3.
Variant type: Deletion.
Coding change: c.377_379+24del on transcript NM_001159699.2 (MANE Select); coding-DNA position 377 through 24 bases into the intron after coding-DNA position 379, 27 bases deleted (CAGGTACTGCCTCCTTCCCACCCCGGG).
Molecular consequence: splice donor variant.
Genome position (GRCh38, 1-based): chrX:136,207,188-136,207,214, CAGGTACTGCCTCCTTCCCACCCCGGG deleted; deleting any 27 consecutive bases within chrX:136,207,186-136,207,214 gives the same sequence; the c. name uses the placement nearest the transcript's 3' end. VCF-style (leftmost placement, unchanged base first): chrX-136207185-TGGCAGGTACTGCCTCCTTCCCACCCCG-T. GRCh37 (hg19) VCF-style: chrX-135289344-TGGCAGGTACTGCCTCCTTCCCACCCCG-T.
Other names: c.329_331+24del (NM_001159702.3, NM_001449.5, NM_001159703.2 and 9 more transcripts); c.416_418+24del (NM_001159701.2); c.377_379+24del (NM_001330659.2).
Identifiers: ClinVar variation 1068192 (VCV001068192.7), dbSNP rs2148373814, ClinGen allele CA2499226378.

ClinVar aggregate classification (germline): Likely pathogenic (1 of 4 stars; one submission).

Conditions:
X-linked myopathy with postural muscle atrophy. Also called: FHL1-Related Emery-Dreifuss Muscular Dystrophy, X-Linked. Identifiers: Orphanet 178461, MedGen C2678055, MONDO:0010401, OMIM 300696.

Submission:

Labcorp Genetics (formerly Invitae), Labcorp
Classification: Likely pathogenic for X-linked myopathy with postural muscle atrophy. Last evaluated: 2020-03-25. Review status: criteria provided, single submitter. Criteria: Invitae Variant Classification Sherloc (09022015). Collection method: clinical testing. Allele origin: germline.
Comment: In summary, the currently available evidence indicates that the variant is pathogenic, but additional data are needed to prove that conclusively. Therefore, this variant has been classified as Likely Pathogenic. Loss-of-function variants in FHL1 are known to be pathogenic (PMID: 18179888, 19687455, 19716112, 22523091, 24114807). This variant has not been reported in the literature in individuals with FHL1-related conditions. This variant results in the deletion of part of exon 4 (c.329_331+24del) of the FHL1 gene. It is expected to disrupt RNA splicing and likely results in an absent or disrupted protein product.

Literature cited by the submitters: PubMed 18179888; PubMed 19687455; PubMed 19716112; PubMed 22523091; PubMed 24114807.